The following is an entry in ClinVar:

NM_015488.5(PNKD):c.14T>G (p.Val5Gly)

Genes: PNKD (PNKD metallo-beta-lactamase domain containing; plus strand), LOC129935594 (ATAC-STARR-seq lymphoblastoid active region 17117; plus strand). Cytogenetic location: 2q35.
Variant type: single nucleotide variant.
Coding change: c.14T>G on transcript NM_015488.5 (MANE Select); coding-DNA position 14, T replaced by G.
Protein change: p.Val5Gly; replaces valine 5 with glycine.
Molecular consequence: missense variant.
Genome position (GRCh38, 1-based): chr2:218,270,549, T>G. VCF-style: chr2-218270549-T-G. GRCh37 (hg19) VCF-style: chr2-219135272-T-G.
Other names: c.14T>G, p.Val5Gly (NM_001077399.3); short protein forms V5G.
Identifiers: ClinVar variation 1508800 (VCV001508800.6), dbSNP rs1574614834, ClinGen allele CA350543538.
Genomic context (GRCh38, chr2:218,270,549, plus strand): 5'-TACAATTCCCGGCGGGGAGCGCGGTGAAGCGGGGGTGGGATCTGAACATGGCGGCGGTGG[T>G]AGCTGCTACGGCGCTGAAGGGCCGGGGGGCGAGAAATGCCCGCGTCCTCCGGGGTAAGGA-3'
Protein context (NP_056303.3, residues 1-15): MAAV[Val5Gly]AATALKGRGA

ClinVar aggregate classification (germline): Uncertain significance (1 of 4 stars; one submission).

Conditions:
Paroxysmal nonkinesigenic dyskinesia. Also called: Paroxysmal non-kinesigenic dyskinesia. Identifiers: Orphanet 98810, MedGen C1869117, MONDO:0700088.

Allele frequency attached by ClinVar (database versions not stated): gnomAD 0.00001; TOPMed 0.00001.

Submission:

Labcorp Genetics (formerly Invitae), Labcorp
Classification: Uncertain significance for Paroxysmal nonkinesigenic dyskinesia. Last evaluated: 2021-08-27. Review status: criteria provided, single submitter. Criteria: Invitae Variant Classification Sherloc (09022015). Collection method: clinical testing. Allele origin: germline.
Comment: The frequency data for this variant in the population databases is considered unreliable, as metrics indicate insufficient coverage at this position in the ExAC database. This sequence change replaces valine with glycine at codon 5 of the PNKD protein (p.Val5Gly). The valine residue is moderately conserved and there is a moderate physicochemical difference between valine and glycine. This variant has not been reported in the literature in individuals affected with PNKD-related conditions. Algorithms developed to predict the effect of missense changes on protein structure and function are either unavailable or do not agree on the potential impact of this missense change (SIFT: "Deleterious"; PolyPhen-2: "Benign"; Align-GVGD: "Class C0"). In summary, the available evidence is currently insufficient to determine the role of this variant in disease. Therefore, it has been classified as a Variant of Uncertain Significance.